The following is an entry in ClinVar:

NM_000350.3(ABCA4):c.5189G>A (p.Trp1730Ter)

Gene: ABCA4 (ATP binding cassette subfamily A member 4; minus strand). Cytogenetic location: 1p22.1.
Variant type: single nucleotide variant.
Coding change: c.5189G>A on transcript NM_000350.3 (MANE Select); coding-DNA position 5189, G replaced by A.
Protein change: p.Trp1730Ter; replaces tryptophan 1730 with a stop codon.
Molecular consequence: nonsense.
Genome position (GRCh38, 1-based): chr1:94,019,589, C>T on the plus strand (G>A on the coding strand, the complement: ABCA4 is on the minus strand). VCF-style: chr1-94019589-C-T. GRCh37 (hg19) VCF-style: chr1-94485145-C-T.
Other names: c.4967G>A, p.Trp1656Ter (NM_001425324.1); short protein forms W1730*, W1656*.
Identifiers: ClinVar variation 236125 (VCV000236125.6), dbSNP rs886044747, ClinGen allele CA10602423.

ClinVar aggregate classification (germline): Pathogenic/Likely pathogenic. Review status: criteria provided, multiple submitters, no conflicts (2 of 4 stars). 5 submissions from 4 submitters: Pathogenic (3); Likely pathogenic (1). 1 of the submissions does not count toward it. Last evaluated 2025-03-25.

Conditions:
ABCA4-related disorder. Also called: ABCA4-related condition; ABCA4-related disorders. Identifiers: MedGen CN239167.
Severe early-childhood-onset retinal dystrophy (STGD1). Also called: Stargardt macular dystrophy; Juvenile onset macular degeneration; Stargardt disease 1; STGD; MACULAR DYSTROPHY WITH FLECKS, TYPE 1. Identifiers: Orphanet 364055, Orphanet 827, MedGen C1855465, MeSH D000080362, MONDO:0009549, OMIM 248200.
Retinal dystrophy. Also called: Inherited retinal dystrophy. Identifiers: Orphanet 71862, MedGen C0854723, MeSH D058499, MONDO:0019118, HP:0000556.
Stargardt disease (FFM). Also called: Stargardt's disease; Fundus flavimaculatus. Identifiers: Orphanet 827, MedGen C0271093, MONDO:0019353.

Allele frequency attached by ClinVar (database versions not stated): gnomAD exomes below 0.00001.
gnomAD v4.1: 2 of 1,605,634 alleles (0.00012%); highest among the groups gnomAD compares: Non-Finnish European, 0.00017%; no homozygotes.

Submissions (5):

Labcorp Genetics (formerly Invitae), Labcorp
Classification: Pathogenic. Last evaluated: 2025-03-25. Review status: criteria provided, single submitter. Criteria: Invitae Variant Classification Sherloc (09022015). Collection method: clinical testing. Allele origin: germline.
Comment: This sequence change creates a premature translational stop signal (p.Trp1730*) in the ABCA4 gene. It is expected to result in an absent or disrupted protein product. Loss-of-function variants in ABCA4 are known to be pathogenic (PMID: 10958761, 24938718, 25312043, 26780318). The frequency data for this variant in the population databases is considered unreliable, as metrics indicate poor data quality at this position in the gnomAD database. This premature translational stop signal has been observed in individual(s) with Stargardt disease (PMID: 28118664, 35120629). ClinVar contains an entry for this variant (Variation ID: 236125). For these reasons, this variant has been classified as Pathogenic.

Institute of Human Genetics, Univ. Regensburg, Univ. Regensburg
Classification: Pathogenic for Retinal dystrophy. Last evaluated: 2022-01-01. Review status: criteria provided, single submitter. Criteria: ACMG Guidelines, 2015. Collection method: clinical testing. Allele origin: germline. Affected: yes.

Blueprint Genetics
Classification: Likely pathogenic for ABCA4-related disorders. Last evaluated: 2018-08-06. Review status: criteria provided, single submitter. Criteria: ACMG Guidelines, 2015. Collection method: clinical testing. Allele origin: germline. Affected: yes. Observed: 1 variant allele.

Institute of Human Genetics, Univ. Regensburg, Univ. Regensburg
Classification: Pathogenic for Severe early-childhood-onset retinal dystrophy. Last evaluated: 2016-01-01. Review status: criteria provided, single submitter. Criteria: Schulz et al. (Invest Ophthalmol Vis Sci. 2017). Collection method: clinical testing, in vitro. Allele origin: germline, unknown. Affected: yes. Observed: 1 heterozygote.

Sharon lab, Hadassah-Hebrew University Medical Center
Classification: Pathogenic for Stargardt disease. Last evaluated: 2019-06-23. Review status: no assertion criteria provided. Collection method: research. Allele origin: inherited. Affected: yes. Not counted in ClinVar's aggregate classification.

Literature cited by the submitters: PubMed 10958761 (cited by Labcorp Genetics (formerly Invitae), Labcorp); PubMed 24938718 (cited by Labcorp Genetics (formerly Invitae), Labcorp); PubMed 25312043 (cited by Labcorp Genetics (formerly Invitae), Labcorp); PubMed 26780318 (cited by Labcorp Genetics (formerly Invitae), Labcorp); PubMed 28118664 (cited by Labcorp Genetics (formerly Invitae), Labcorp and Institute of Human Genetics, Univ. Regensburg, Univ. Regensburg); PubMed 35120629 (cited by Labcorp Genetics (formerly Invitae), Labcorp); PubMed 29555955 (cited by Institute of Human Genetics, Univ. Regensburg, Univ. Regensburg); PubMed 32307445 (cited by Institute of Human Genetics, Univ. Regensburg, Univ. Regensburg); PubMed 31456290 (cited by Institute of Human Genetics, Univ. Regensburg, Univ. Regensburg).